The following is an entry in ClinVar:

ClinVar aggregate classification (germline): Uncertain significance (1 of 4 stars; one submission).

Submission:

Ambry Genetics
Classification: Uncertain significance. Last evaluated: 2024-08-18. Review status: criteria provided, single submitter. Criteria: Ambry Variant Classification Scheme 2023. Collection method: clinical testing. Allele origin: germline.
Comment: The p.T1940A variant (also known as c.5818A>G), located in coding exon 18 of the POLQ gene, results from an A to G substitution at nucleotide position 5818. The threonine at codon 1940 is replaced by alanine, an amino acid with similar properties. This amino acid position is conserved. In addition, this alteration is predicted to be tolerated by in silico analysis. Since supporting evidence is limited at this time, the clinical significance of this alteration remains unclear.

NM_199420.4(POLQ):c.5818A>G (p.Thr1940Ala)

Gene: POLQ (DNA polymerase theta; minus strand). Cytogenetic location: 3q13.33.
Variant type: single nucleotide variant.
Coding change: c.5818A>G on transcript NM_199420.4 (MANE Select); coding-DNA position 5818, A replaced by G.
Protein change: p.Thr1940Ala; replaces threonine 1940 with alanine.
Molecular consequence: missense variant.
Genome position (GRCh38, 1-based): chr3:121,483,538, T>C on the plus strand (A>G on the coding strand, the complement: POLQ is on the minus strand). VCF-style: chr3-121483538-T-C. GRCh37 (hg19) VCF-style: chr3-121202385-T-C.
Other names: short protein forms T1940A.
Identifiers: ClinVar variation 1749872 (VCV001749872.3), dbSNP rs2546781818, ClinGen allele CA354088732.
Genomic context (GRCh38, chr3:121,483,538, plus strand): 5'-ATTCTTTATCAGATTCCTTTCGCAAGCAAGATTGAAGGTACCACATCCTGTCTTTCAAAG[T>C]CAGGCTTGGATCTAAAGAAGGTGGAACCAAACTGGCACTAATTTCTTTAAAAAAAAAAAA-3'
Protein context (NP_955452.3, residues 1930-1950): LVPPSLDPSL[Thr1940Ala]LKDRMWYLQS